The following is an entry in ClinVar:

NM_001733.7(C1R):c.27G>T (p.Pro9=)

Gene: C1R (complement C1r; minus strand). Cytogenetic location: 12p13.31.
Variant type: single nucleotide variant.
Coding change: c.27G>T on transcript NM_001733.7 (MANE Select); coding-DNA position 27, G replaced by T.
Protein change: p.Pro9=; no amino-acid change (proline 9 retained).
Molecular consequence: synonymous variant.
Genome position (GRCh38, 1-based): chr12:7,091,656, C>A on the plus strand (G>T on the coding strand, the complement: C1R is on the minus strand). VCF-style: chr12-7091656-C-A. GRCh37 (hg19) VCF-style: chr12-7244252-C-A.
Other names: c.69G>T, p.Pro23= (NM_001354346.2).
Identifiers: ClinVar variation 5039694 (VCV005039694.1).

ClinVar aggregate classification (germline): Likely benign (1 of 4 stars; one submission).

Submission:

CeGaT Center for Human Genetics Tuebingen
Classification: Likely benign. Last evaluated: 2026-08-01. Review status: criteria provided, single submitter. Criteria: CeGaT Center For Human Genetics Tuebingen Variant Classification Criteria Version 2. Collection method: clinical testing. Allele origin: germline. Affected: yes. Observed: 1 variant allele.
Comment: C1R: PM2:Supporting, BP4, BP7